The following is an entry in ClinVar:

NM_006015.6(ARID1A):c.2229A>G (p.Gln743=)

Gene: ARID1A (AT-rich interaction domain 1A; plus strand). Cytogenetic location: 1p36.11.
Variant type: single nucleotide variant.
Coding change: c.2229A>G on transcript NM_006015.6 (MANE Select); coding-DNA position 2229, A replaced by G.
Protein change: p.Gln743=; no amino-acid change (glutamine 743 retained).
Molecular consequence: synonymous variant.
Genome position (GRCh38, 1-based): chr1:26,761,451, A>G. VCF-style: chr1-26761451-A-G. GRCh37 (hg19) VCF-style: chr1-27087942-A-G.
Other names: c.2229A>G, p.Gln743= (NM_139135.4).
Identifiers: ClinVar variation 1195455 (VCV001195455.5), dbSNP rs746513616, ClinGen allele CA706941.
Genomic context (GRCh38, chr1:26,761,451, plus strand): 5'-GATGCCACCTCGGCCACCCAGTGGCCAGTCGGACAGCATCATGCATCCTTCCATGAACCA[A>G]TCAAGCATTGCCCAAGATCGAGGTGAGAGCCTGGGTGTTGGGGAGGGGCAGGGAGCTAGG-3'
Protein context (NP_006006.3, residues 733-753): SDSIMHPSMN[Gln743=]SSIAQDRGYM

ClinVar aggregate classification (germline): Likely benign. Review status: criteria provided, multiple submitters, no conflicts (2 of 4 stars). 3 submissions from 3 submitters: Likely benign (3). Last evaluated 2024-10-14.

Conditions:
ARID1A-related disorder. Also called: ARID1A-related condition.

Allele frequency attached by ClinVar (database versions not stated): gnomAD exomes 0.00001; TOPMed 0.00001; ExAC 0.00001.
gnomAD v4.1: 11 of 1,614,190 alleles (0.00068%); highest among the groups gnomAD compares: East Asian, 0.0022%; no homozygotes.

Submissions (3):

PreventionGenetics, part of Exact Sciences
Classification: Likely benign for ARID1A-related condition. Last evaluated: 2024-10-14. Review status: criteria provided, single submitter. Criteria: ACMG Guidelines, 2015. Collection method: clinical testing. Allele origin: germline.
Comment: This variant is classified as likely benign based on ACMG/AMP sequence variant interpretation guidelines (Richards et al. 2015 PMID: 25741868, with internal and published modifications).

Labcorp Genetics (formerly Invitae), Labcorp
Classification: Likely benign. Last evaluated: 2024-09-16. Review status: criteria provided, single submitter. Criteria: Invitae Variant Classification Sherloc (09022015). Collection method: clinical testing. Allele origin: germline.

GeneDx
Classification: Likely benign. Last evaluated: 2020-12-08. Review status: criteria provided, single submitter. Criteria: GeneDx Variant Classification Process June 2021. Collection method: clinical testing. Allele origin: germline. Affected: yes.